The following is an entry in ClinVar:

NM_032776.3(JMJD1C):c.2721G>C (p.Gln907His)

Gene: JMJD1C (jumonji domain containing 1C; minus strand). Cytogenetic location: 10q21.3.
Variant type: single nucleotide variant.
Coding change: c.2721G>C on transcript NM_032776.3 (MANE Select); coding-DNA position 2721, G replaced by C.
Protein change: p.Gln907His; replaces glutamine 907 with histidine.
Molecular consequence: missense variant. On other transcripts: non-coding transcript variant (1).
Genome position (GRCh38, 1-based): chr10:63,209,209, C>G on the plus strand (G>C on the coding strand, the complement: JMJD1C is on the minus strand). VCF-style: chr10-63209209-C-G. GRCh37 (hg19) VCF-style: chr10-64968969-C-G.
Other names: c.2175G>C, p.Gln725His (NM_001282948.2, NM_001318154.2); c.1857G>C, p.Gln619His (NM_001318153.2); c.2607G>C, p.Gln869His (NM_001322252.2); c.2064G>C, p.Gln688His (NM_001322254.2, NM_001322258.2); short protein forms Q725H, Q619H, Q688H, Q869H, Q907H.
Identifiers: ClinVar variation 2155427 (VCV002155427.4), dbSNP rs749582418, ClinGen allele CA5518569.

ClinVar aggregate classification (germline): Uncertain significance (1 of 4 stars; one submission).

Conditions:
Early Myoclonic Encephalopathy. Identifiers: MedGen C0270855.

Allele frequency attached by ClinVar (database versions not stated): TOPMed below 0.00001; gnomAD 0.00001.
gnomAD v4.1: 16 of 1,610,918 alleles (0.00099%); highest among the groups gnomAD compares: Non-Finnish European, 0.0011%; no homozygotes.

Submission:

Labcorp Genetics (formerly Invitae), Labcorp
Classification: Uncertain significance for Early Myoclonic Encephalopathy. Last evaluated: 2022-11-07. Review status: criteria provided, single submitter. Criteria: Invitae Variant Classification Sherloc (09022015). Collection method: clinical testing. Allele origin: germline.
Comment: In summary, the available evidence is currently insufficient to determine the role of this variant in disease. Therefore, it has been classified as a Variant of Uncertain Significance. Advanced modeling of protein sequence and biophysical properties (such as structural, functional, and spatial information, amino acid conservation, physicochemical variation, residue mobility, and thermodynamic stability) performed at Invitae indicates that this missense variant is not expected to disrupt JMJD1C protein function. This variant has not been reported in the literature in individuals affected with JMJD1C-related conditions. This variant is present in population databases (rs749582418, gnomAD 0.002%). This sequence change replaces glutamine, which is neutral and polar, with histidine, which is basic and polar, at codon 907 of the JMJD1C protein (p.Gln907His).